The following is an entry in ClinVar:

NM_000512.5(GALNS):c.115_116del (p.Asp39fs)

Genes: GALNS (galactosamine (N-acetyl)-6-sulfatase; minus strand), TRAPPC2L (trafficking protein particle complex subunit 2L; plus strand), LOC130059762 (ATAC-STARR-seq lymphoblastoid silent region 7883; plus strand). Cytogenetic location: 16q24.3.
Variant type: Deletion.
Coding change: c.115_116del on transcript NM_000512.5 (MANE Select); coding-DNA positions 115 to 116, 2 bases deleted (GA; older notation c.115_116delGA).
Protein change: p.Asp39fs; shifts the reading frame from aspartic acid 39.
Molecular consequence: frameshift variant. On other transcripts: 5 prime UTR variant (2).
Genome position (GRCh38, 1-based): chr16:88,856,762-88,856,763, TC deleted on the plus strand (GA on the coding strand, the reverse complement: GALNS is on the minus strand). VCF-style (leftmost placement, unchanged base first): chr16-88856761-GTC-G. GRCh37 (hg19) VCF-style: chr16-88923169-GTC-G.
Other names: c.-317_-316del (NM_001323543.2); c.-38_-37del (NM_001323544.2); short protein forms D39fs.
Identifiers: ClinVar variation 1455571 (VCV001455571.6), dbSNP rs1967936031, ClinGen allele CA2241338095.
Genomic context (GRCh38, chr16:88,856,761, plus strand): 5'-CGCCCCTCCCCTCCCCGCCCCACCCCGGCCCTGCCCCGTCCCACCGCCCGCACTCACGTC[GTC>G]CATGAGCAGGAGCAGGATGTTGGGGGGCTGCGGGGCGCCCGAGGCCCCCATCCCCGCGGC-3'

ClinVar aggregate classification (germline): Pathogenic (1 of 4 stars; one submission).

Conditions:
Mucopolysaccharidosis, MPS-IV-A (MPS4A). Also called: MPS IVA; GALACTOSAMINE-6-SULFATASE DEFICIENCY; GALNS DEFICIENCY; MORQUIO A DISEASE; Morquio syndrome A, mild; MORQUIO SYNDROME A. Identifiers: Orphanet 309297, Orphanet 582, MedGen C0086651, MONDO:0009659, OMIM 253000.

Allele frequency attached by ClinVar (database versions not stated): TOPMed below 0.00001.

Submission:

Labcorp Genetics (formerly Invitae), Labcorp
Classification: Pathogenic for Mucopolysaccharidosis, MPS-IV-A. Last evaluated: 2021-07-30. Review status: criteria provided, single submitter. Criteria: Invitae Variant Classification Sherloc (09022015). Collection method: clinical testing. Allele origin: germline.
Comment: For these reasons, this variant has been classified as Pathogenic. This variant has not been reported in the literature in individuals with GALNS-related conditions. The frequency data for this variant in the population databases is considered unreliable, as metrics indicate insufficient coverage at this position in the ExAC database. This sequence change creates a premature translational stop signal (p.Asp39Argfs*6) in the GALNS gene. It is expected to result in an absent or disrupted protein product. Loss-of-function variants in GALNS are known to be pathogenic (PMID: 12442278).

Literature cited by the submitters: PubMed 12442278.